The following is an entry in ClinVar:

ClinVar aggregate classification (germline): Pathogenic (1 of 4 stars; one submission).

Conditions:
Autosomal dominant nonsyndromic hearing loss 65. Also called: Deafness, autosomal dominant 65; TBC1D24-Related Autosomal Dominant Nonsyndromic Hearing Loss (DFNA). Identifiers: Orphanet 90635, MedGen C3892048, MONDO:0014470, OMIM 616044.
Developmental and epileptic encephalopathy, 1 (DEE1). Also called: INFANTILE SPASM SYNDROME, X-LINKED 1; X-linked infantile spasms; West's syndrome; Tonic spasms with clustering, arrest of psychomotor development and hypsarrhythmia on EEG; X-Linked Infantile Spasm Syndrome; OHTAHARA SYNDROME, X-LINKED. Identifiers: MedGen C3463992, MONDO:0010632, OMIM 308350. Disease mechanism: loss of function.

gnomAD v4.1: 2 of 1,610,314 alleles (0.00012%); highest among the groups gnomAD compares: South Asian, 0.0011%; no homozygotes.

Submission:

Labcorp Genetics (formerly Invitae), Labcorp
Classification: Pathogenic for Developmental and epileptic encephalopathy, 1; Autosomal dominant nonsyndromic hearing loss 65. Last evaluated: 2023-07-22. Review status: criteria provided, single submitter. Criteria: Invitae Variant Classification Sherloc (09022015). Collection method: clinical testing. Allele origin: germline.
Comment: This sequence change creates a premature translational stop signal (p.Glu462*) in the TBC1D24 gene. It is expected to result in an absent or disrupted protein product. Loss-of-function variants in TBC1D24 are known to be pathogenic (PMID: 23526554, 24291220). This variant is not present in population databases (gnomAD no frequency). This variant has not been reported in the literature in individuals affected with TBC1D24-related conditions. Algorithms developed to predict the effect of sequence changes on RNA splicing suggest that this variant may create or strengthen a splice site. For these reasons, this variant has been classified as Pathogenic.

Literature cited by the submitters: PubMed 23526554; PubMed 24291220.

NM_001199107.2(TBC1D24):c.1384G>T (p.Glu462Ter)

Gene: TBC1D24 (TBC1 domain family member 24; plus strand). Cytogenetic location: 16p13.3.
Variant type: single nucleotide variant.
Coding change: c.1384G>T on transcript NM_001199107.2 (MANE Select); coding-DNA position 1384, G replaced by T.
Protein change: p.Glu462Ter; replaces glutamic acid 462 with a stop codon.
Molecular consequence: nonsense.
Genome position (GRCh38, 1-based): chr16:2,500,349, G>T. VCF-style: chr16-2500349-G-T. GRCh37 (hg19) VCF-style: chr16-2550350-G-T.
Other names: c.1366G>T, p.Glu456Ter (NM_020705.3); short protein forms E462*, E456*.
Identifiers: ClinVar variation 2950183 (VCV002950183.3), dbSNP rs368678094, ClinGen allele CA394380764.